The following is an entry in ClinVar:

NM_007272.3(CTRC):c.641G>A (p.Gly214Glu)

Gene: CTRC (chymotrypsin C; plus strand). Cytogenetic location: 1p36.21.
Variant type: single nucleotide variant.
Coding change: c.641G>A on transcript NM_007272.3 (MANE Select); coding-DNA position 641, G replaced by A.
Protein change: p.Gly214Glu; replaces glycine 214 with glutamic acid.
Molecular consequence: missense variant.
Genome position (GRCh38, 1-based): chr1:15,445,598, G>A. VCF-style: chr1-15445598-G-A. GRCh37 (hg19) VCF-style: chr1-15772093-G-A.
Other names: short protein forms G214E.
Identifiers: ClinVar variation 852868 (VCV000852868.13), dbSNP rs1013133526, ClinGen allele CA18253709.
Genomic context (GRCh38, chr1:15,445,598, plus strand): 5'-TTCCCAAGACTTCCTCTGGGGGGGGGCCTGGTGGCTTATGCCCTCCCGGTCTGGTGCAGG[G>A]GGACTCCGGTGGCCCACTGAACTGCCAGTTGGAGAACGGTTCCTGGGAGGTGTTTGGCAT-3'
Protein context (NP_009203.2, residues 204-224): GGDGVISACN[Gly214Glu]DSGGPLNCQL

ClinVar aggregate classification (germline): Uncertain significance. Review status: criteria provided, multiple submitters, no conflicts (2 of 4 stars). 3 submissions from 3 submitters: Uncertain significance (3). Last evaluated 2025-09-09.

Conditions:
Hereditary pancreatitis (PCTT). Also called: PRSS1-Related Hereditary Pancreatitis; Hereditary chronic pancreatitis. Identifiers: Orphanet 676, MedGen C0238339, MONDO:0008185, OMIM 167800.

Allele frequency attached by ClinVar (database versions not stated): gnomAD exomes 0.00001; gnomAD 0.00005; TOPMed 0.00007.
gnomAD v4.1: 15 of 1,614,016 alleles (0.00093%); highest among the groups gnomAD compares: Admixed American, 0.012%; no homozygotes.

Submissions (3):

Ambry Genetics
Classification: Uncertain significance for Hereditary pancreatitis. Last evaluated: 2025-09-09. Review status: criteria provided, single submitter. Criteria: Ambry Variant Classification Scheme 2023. Collection method: clinical testing. Allele origin: germline.

Fulgent Genetics
Classification: Uncertain significance for Hereditary pancreatitis. Last evaluated: 2024-05-21. Review status: criteria provided, single submitter. Criteria: ACMG Guidelines, 2015. Collection method: clinical testing. Allele origin: germline.

Labcorp Genetics (formerly Invitae), Labcorp
Classification: Uncertain significance for Hereditary pancreatitis. Last evaluated: 2023-08-09. Review status: criteria provided, single submitter. Criteria: Invitae Variant Classification Sherloc (09022015). Collection method: clinical testing. Allele origin: germline.
Comment: ClinVar contains an entry for this variant (Variation ID: 852868). This missense change has been observed in individual(s) with idiopathic chromic pancreatitis (PMID: 30420730). This variant is present in population databases (no rsID available, gnomAD 0.006%). This sequence change replaces glycine, which is neutral and non-polar, with glutamic acid, which is acidic and polar, at codon 214 of the CTRC protein (p.Gly214Glu). An algorithm developed to predict the effect of missense changes on protein structure and function (PolyPhen-2) suggests that this variant is likely to be disruptive. In summary, the available evidence is currently insufficient to determine the role of this variant in disease. Therefore, it has been classified as a Variant of Uncertain Significance.

Literature cited by the submitters: PubMed 30420730 (cited by Labcorp Genetics (formerly Invitae), Labcorp).